The following is an entry in ClinVar:

ClinVar aggregate classification (germline): Uncertain significance (1 of 4 stars; one submission).

Conditions:
VWF-related disorder. Also called: VWF-related disorders; VWF-related condition.

Submission:

PreventionGenetics, part of Exact Sciences
Classification: Uncertain significance for VWF-related condition. Last evaluated: 2025-07-30. Review status: criteria provided, single submitter. Criteria: ACMG Guidelines, 2015. Collection method: clinical testing. Allele origin: germline.
Comment: The VWF c.2806C>A variant is predicted to result in the amino acid substitution p.Leu936Met. To our knowledge, this variant has not been reported in the literature or in a large population database (gnomAD), indicating this variant is rare. At this time, the clinical significance of this variant is uncertain due to the absence of conclusive functional and genetic evidence.

NM_000552.5(VWF):c.2806C>A (p.Leu936Met)

Gene: VWF (von Willebrand factor; minus strand). Cytogenetic location: 12p13.31.
Variant type: single nucleotide variant.
Coding change: c.2806C>A on transcript NM_000552.5 (MANE Select); coding-DNA position 2806, C replaced by A.
Protein change: p.Leu936Met; replaces leucine 936 with methionine.
Molecular consequence: missense variant.
Genome position (GRCh38, 1-based): chr12:6,031,458, G>T on the plus strand (C>A on the coding strand, the complement: VWF is on the minus strand). VCF-style: chr12-6031458-G-T. GRCh37 (hg19) VCF-style: chr12-6140624-G-T.
Other names: short protein forms L936M.
Identifiers: ClinVar variation 5000759 (VCV005000759.1).